The following is an entry in ClinVar:

NM_176787.5(PIGN):c.1926A>G (p.Lys642=)

Gene: PIGN (phosphatidylinositol glycan anchor biosynthesis class N; minus strand). Cytogenetic location: 18q21.33.
Variant type: single nucleotide variant.
Coding change: c.1926A>G on transcript NM_176787.5 (MANE Select); coding-DNA position 1926, A replaced by G.
Protein change: p.Lys642=; no amino-acid change (lysine 642 retained).
Molecular consequence: synonymous variant.
Genome position (GRCh38, 1-based): chr18:62,102,836, T>C on the plus strand (A>G on the coding strand, the complement: PIGN is on the minus strand). VCF-style: chr18-62102836-T-C. GRCh37 (hg19) VCF-style: chr18-59770069-T-C.
Other names: c.1926A>G, p.Lys642= (NM_012327.6).
Identifiers: ClinVar variation 472215 (VCV000472215.22), dbSNP rs760848888, ClinGen allele CA8982141.

ClinVar aggregate classification (germline): Likely benign. Review status: criteria provided, multiple submitters, no conflicts (2 of 4 stars). 2 submissions from 2 submitters: Likely benign (2). Last evaluated 2026-07-01.

Conditions:
Multiple congenital anomalies-hypotonia-seizures syndrome 1 (MCAHS1). Also called: PIGN-CDG; Congenital disorder of glycosylation due to PIGN deficiency; GLYCOSYLPHOSPHATIDYLINOSITOL BIOSYNTHESIS DEFECT 3. Identifiers: Orphanet 280633, MedGen C3279775, MONDO:0013563, OMIM 614080.

Allele frequency attached by ClinVar (database versions not stated): ExAC 0.00002; TOPMed 0.00002; gnomAD 0.00003; gnomAD exomes 0.00003.
gnomAD v4.1: 49 of 1,581,446 alleles (0.0031%); highest among the groups gnomAD compares: Non-Finnish European, 0.004%; no homozygotes.

Submissions (2):

CeGaT Center for Human Genetics Tuebingen
Classification: Likely benign. Last evaluated: 2026-07-01. Review status: criteria provided, single submitter. Criteria: CeGaT Center For Human Genetics Tuebingen Variant Classification Criteria Version 2. Collection method: clinical testing. Allele origin: germline. Affected: yes. Observed: 3 variant alleles.
Comment: PIGN: BP4, BP7

Labcorp Genetics (formerly Invitae), Labcorp
Classification: Likely benign for Multiple congenital anomalies-hypotonia-seizures syndrome 1. Last evaluated: 2024-09-25. Review status: criteria provided, single submitter. Criteria: Invitae Variant Classification Sherloc (09022015). Collection method: clinical testing. Allele origin: germline.